The following is an entry in ClinVar:

ClinVar aggregate classification (germline): Uncertain significance (1 of 4 stars; one submission).

Submission:

Labcorp Genetics (formerly Invitae), Labcorp
Classification: Uncertain significance. Last evaluated: 2022-03-08. Review status: criteria provided, single submitter. Criteria: Invitae Variant Classification Sherloc (09022015). Collection method: clinical testing. Allele origin: germline.
Comment: This sequence change replaces histidine, which is basic and polar, with leucine, which is neutral and non-polar, at codon 919 of the C3 protein (p.His919Leu). In summary, the available evidence is currently insufficient to determine the role of this variant in disease. Therefore, it has been classified as a Variant of Uncertain Significance. Algorithms developed to predict the effect of missense changes on protein structure and function (SIFT, PolyPhen-2, Align-GVGD) all suggest that this variant is likely to be tolerated. This variant has not been reported in the literature in individuals affected with C3-related conditions. This variant is not present in population databases (gnomAD no frequency).

NM_000064.4(C3):c.2756A>T (p.His919Leu)

Gene: C3 (complement C3; minus strand). Cytogenetic location: 19p13.3.
Variant type: single nucleotide variant.
Coding change: c.2756A>T on transcript NM_000064.4 (MANE Select); coding-DNA position 2756, A replaced by T.
Protein change: p.His919Leu; replaces histidine 919 with leucine.
Molecular consequence: missense variant.
Genome position (GRCh38, 1-based): chr19:6,697,384, T>A on the plus strand (A>T on the coding strand, the complement: C3 is on the minus strand). VCF-style: chr19-6697384-T-A. GRCh37 (hg19) VCF-style: chr19-6697395-T-A.
Other names: short protein forms H919L.
Identifiers: ClinVar variation 1513934 (VCV001513934.8), dbSNP rs2145411555, ClinGen allele CA403632681.